The following is an entry in ClinVar:

NM_006267.5(RANBP2):c.4084T>C (p.Ser1362Pro)

Gene: RANBP2 (RAN binding protein 2; plus strand). Cytogenetic location: 2q13.
Variant type: single nucleotide variant.
Coding change: c.4084T>C on transcript NM_006267.5 (MANE Select); coding-DNA position 4084, T replaced by C.
Protein change: p.Ser1362Pro; replaces serine 1362 with proline.
Molecular consequence: missense variant.
Genome position (GRCh38, 1-based): chr2:108,764,623, T>C. VCF-style: chr2-108764623-T-C. GRCh37 (hg19) VCF-style: chr2-109381079-T-C.
Other names: short protein forms S1362P.
Identifiers: ClinVar variation 837951 (VCV000837951.10), dbSNP rs1676980878, ClinGen allele CA348065690.

ClinVar aggregate classification (germline): Uncertain significance (1 of 4 stars; one submission).

Conditions:
Familial acute necrotizing encephalopathy (IIAE3). Also called: ENCEPHALOPATHY, ACUTE, INFECTION-INDUCED, SUSCEPTIBILITY TO, 3; Susceptibility to Acute Necrotizing Encephalopathy 1. Identifiers: Orphanet 88619, MedGen C2675556, MONDO:0011953, OMIM 608033.

Submission:

Labcorp Genetics (formerly Invitae), Labcorp
Classification: Uncertain significance for Familial acute necrotizing encephalopathy. Last evaluated: 2019-02-04. Review status: criteria provided, single submitter. Criteria: Invitae Variant Classification Sherloc (09022015). Collection method: clinical testing. Allele origin: germline.
Comment: Algorithms developed to predict the effect of missense changes on protein structure and function (SIFT, PolyPhen-2, Align-GVGD) all suggest that this variant is likely to be disruptive, but these predictions have not been confirmed by published functional studies and their clinical significance is uncertain. In summary, the available evidence is currently insufficient to determine the role of this variant in disease. Therefore, it has been classified as a Variant of Uncertain Significance. This variant has not been reported in the literature in individuals with RANBP2-related conditions. This variant is not present in population databases (ExAC no frequency). This sequence change replaces serine with proline at codon 1362 of the RANBP2 protein (p.Ser1362Pro). The serine residue is highly conserved and there is a moderate physicochemical difference between serine and proline.